The following is an entry in ClinVar:

ClinVar aggregate classification (germline): Likely benign (1 of 4 stars; one submission).

Allele frequency attached by ClinVar (database versions not stated): ESP Exome Variant Server 0.00008; 1000 Genomes Project 30x 0.00031.

Submission:

CeGaT Center for Human Genetics Tuebingen
Classification: Likely benign. Last evaluated: 2023-08-01. Review status: criteria provided, single submitter. Criteria: CeGaT Center For Human Genetics Tuebingen Variant Classification Criteria Version 2. Collection method: clinical testing. Allele origin: germline. Affected: yes. Observed: 1 variant allele.
Comment: GNB2: BP4, BP7

NM_005273.4(GNB2):c.771C>G (p.Ala257=)

Gene: GNB2 (G protein subunit beta 2; plus strand). Cytogenetic location: 7q22.1.
Variant type: single nucleotide variant.
Coding change: c.771C>G on transcript NM_005273.4 (MANE Select); coding-DNA position 771, C replaced by G.
Protein change: p.Ala257=; no amino-acid change (alanine 257 retained).
Molecular consequence: synonymous variant.
Genome position (GRCh38, 1-based): chr7:100,678,469, C>G. VCF-style: chr7-100678469-C-G. GRCh37 (hg19) VCF-style: chr7-100276092-C-G.
Identifiers: ClinVar variation 2657758 (VCV002657758.24), dbSNP rs144309481, ClinGen allele CA4387696.